The following is an entry in ClinVar:

ClinVar aggregate classification (germline): Likely benign. Review status: criteria provided, multiple submitters, no conflicts (2 of 4 stars). 3 submissions from 3 submitters: Likely benign (3). Last evaluated 2023-12-01.

Conditions:
Hypertrophic cardiomyopathy. Also called: HYPERTROPHIC MYOCARDIOPATHY. Identifiers: Orphanet 217569, MedGen C0007194, MeSH D002312, MONDO:0005045, HP:0001639.
Cardiomyopathy (CMYO). Also called: Cardiomyopathies. Identifiers: Orphanet 167848, MedGen C0878544, MONDO:0004994, HP:0001638. Inheritance: Various modes of inheritance.
Atrial septal defect 5 (ASD5). Identifiers: Orphanet 1478, MedGen C2748552, MONDO:0013011, OMIM 612794.
Dilated cardiomyopathy 1R (CMD1R). Identifiers: Orphanet 154, Orphanet 54260, MedGen C3150681, MONDO:0013261, OMIM 613424.
Hypertrophic cardiomyopathy 11. Also called: ACTC1-Related Familial Hypertrophic Cardiomyopathy. Identifiers: MedGen C2677506, MONDO:0012799, OMIM 612098.

Allele frequency attached by ClinVar (database versions not stated): TOPMed 0.00001.

Submissions (3):

All of Us Research Program, National Institutes of Health
Classification: Likely benign for Hypertrophic cardiomyopathy. Last evaluated: 2023-12-01. Review status: criteria provided, single submitter. Criteria: ACMG Guidelines, 2015. Collection method: clinical testing. Allele origin: germline. Inheritance: Autosomal dominant inheritance. Observed: 1 variant allele, 1 heterozygote.
Comment: This study involves interpretation of variants in research participants for the purpose of population health screening. Participant phenotype was not available at the time of variant classification. Additional details can be found in publication PMID: 35346344, PMCID: PMC8962531

Labcorp Genetics (formerly Invitae), Labcorp
Classification: Likely benign for Dilated cardiomyopathy 1R; Hypertrophic cardiomyopathy 11; Atrial septal defect 5. Last evaluated: 2021-04-09. Review status: criteria provided, single submitter. Criteria: Invitae Variant Classification Sherloc (09022015). Collection method: clinical testing. Allele origin: germline.

Color Diagnostics, LLC DBA Color Health
Classification: Likely benign for Cardiomyopathy. Last evaluated: 2019-08-14. Review status: criteria provided, single submitter. Criteria: ACMG Guidelines, 2015. Collection method: clinical testing. Allele origin: germline.

NM_005159.5(ACTC1):c.72G>C (p.Ala24=)

Genes: GJD2-DT (GJD2 divergent transcript; plus strand), ACTC1 (actin alpha cardiac muscle 1; minus strand). Cytogenetic location: 15q14.
Variant type: single nucleotide variant.
Coding change: c.72G>C on transcript NM_005159.5 (MANE Select); coding-DNA position 72, G replaced by C.
Protein change: p.Ala24=; no amino-acid change (alanine 24 retained).
Molecular consequence: synonymous variant.
Genome position (GRCh38, 1-based): chr15:34,794,737, C>G on the plus strand (G>C on the coding strand, the complement: ACTC1 is on the minus strand). VCF-style: chr15-34794737-C-G. GRCh37 (hg19) VCF-style: chr15-35086938-C-G.
Identifiers: ClinVar variation 926759 (VCV000926759.10), dbSNP rs778572289, ClinGen allele CA268664803.